The following is an entry in ClinVar:

NM_001042492.3(NF1):c.6122G>C (p.Gly2041Ala)

Gene: NF1 (neurofibromin 1; plus strand). Cytogenetic location: 17q11.2.
Variant type: single nucleotide variant.
Coding change: c.6122G>C on transcript NM_001042492.3 (MANE Select); coding-DNA position 6122, G replaced by C.
Protein change: p.Gly2041Ala; replaces glycine 2041 with alanine.
Molecular consequence: missense variant.
Genome position (GRCh38, 1-based): chr17:31,336,448, G>C. VCF-style: chr17-31336448-G-C. GRCh37 (hg19) VCF-style: chr17-29663466-G-C.
Other names: c.6059G>C, p.Gly2020Ala (NM_000267.4); short protein forms G2020A, G2041A.
Identifiers: ClinVar variation 3634581 (VCV003634581.2).

ClinVar aggregate classification (germline): Uncertain significance (1 of 4 stars; one submission).

Conditions:
Neurofibromatosis, type 1 (NF1). Also called: VON RECKLINGHAUSEN DISEASE; Peripheral type neurofibromatosis; NEUROFIBROMATOSIS, TYPE I, SOMATIC; Neurofibromatosis, type I. Identifiers: Orphanet 636, MedGen C0027831, MONDO:0018975, OMIM 162200. Disease mechanism: loss of function.

gnomAD v4.1: 1 of 1,614,080 alleles (0.000062%); highest among the groups gnomAD compares: Non-Finnish European, 0.000085%; no homozygotes.

Submission:

Labcorp Genetics (formerly Invitae), Labcorp
Classification: Uncertain significance for Neurofibromatosis, type 1. Last evaluated: 2024-07-21. Review status: criteria provided, single submitter. Criteria: Invitae Variant Classification Sherloc (09022015). Collection method: clinical testing. Allele origin: germline.
Comment: This sequence change replaces glycine, which is neutral and non-polar, with alanine, which is neutral and non-polar, at codon 2020 of the NF1 protein (p.Gly2020Ala). This variant is not present in population databases (gnomAD no frequency). This variant has not been reported in the literature in individuals affected with NF1-related conditions. Advanced modeling of protein sequence and biophysical properties (such as structural, functional, and spatial information, amino acid conservation, physicochemical variation, residue mobility, and thermodynamic stability) performed at Invitae indicates that this missense variant is not expected to disrupt NF1 protein function with a negative predictive value of 95%. In summary, the available evidence is currently insufficient to determine the role of this variant in disease. Therefore, it has been classified as a Variant of Uncertain Significance.